The following is an entry in ClinVar:

ClinVar aggregate classification (germline): Uncertain significance (1 of 4 stars; one submission).

Conditions:
Familial cancer of breast. Also called: hereditary breast carcinoma; BREAST CANCER, FAMILIAL; Hereditary breast cancer. Identifiers: Orphanet 227535, MedGen C0346153, MONDO:0016419, OMIM 114480. Disease mechanism: loss of function.

Submission:

Labcorp Genetics (formerly Invitae), Labcorp
Classification: Uncertain significance for Familial cancer of breast. Last evaluated: 2023-10-23. Review status: criteria provided, single submitter. Criteria: Invitae Variant Classification Sherloc (09022015). Collection method: clinical testing. Allele origin: germline.
Comment: This sequence change creates a premature translational stop signal (p.Leu543*) in the CHEK2 gene. While this is not anticipated to result in nonsense mediated decay, it is expected to disrupt the last 1 amino acid(s) of the CHEK2 protein. This variant is not present in population databases (gnomAD no frequency). This variant has not been reported in the literature in individuals affected with CHEK2-related conditions. Experimental studies and prediction algorithms are not available or were not evaluated, and the functional significance of this variant is currently unknown. In summary, the available evidence is currently insufficient to determine the role of this variant in disease. Therefore, it has been classified as a Variant of Uncertain Significance.

NM_007194.4(CHEK2):c.1628T>A (p.Leu543Ter)

Gene: CHEK2 (checkpoint kinase 2; minus strand). Cytogenetic location: 22q12.1.
Variant type: single nucleotide variant.
Coding change: c.1628T>A on transcript NM_007194.4 (MANE Select); coding-DNA position 1628, T replaced by A.
Protein change: p.Leu543Ter; replaces leucine 543 with a stop codon.
Molecular consequence: nonsense.
Genome position (GRCh38, 1-based): chr22:28,687,901, A>T on the plus strand (T>A on the coding strand, the complement: CHEK2 is on the minus strand). VCF-style: chr22-28687901-A-T. GRCh37 (hg19) VCF-style: chr22-29083889-A-T.
Other names: c.1757T>A, p.Leu586Ter (NM_001005735.3); c.965T>A, p.Leu322Ter (NM_001257387.3); c.1427T>A, p.Leu476Ter (NM_001349956.3); c.1541T>A, p.Leu514Ter (NM_145862.3); short protein forms L476*, L586*, L543*, L322*, L514*.
Identifiers: ClinVar variation 2771160 (VCV002771160.3), dbSNP rs2145736622, ClinGen allele CA411090964.
Genomic context (GRCh38, chr22:28,687,901, plus strand): 5'-AAGAAAGATGACAGAGTGAAAGAAGGTACATTTCTTTCGTGTTCAAACCACGGAGTTCAC[A>T]ACACAGCAGCACACACAGCTGGGCGCTTTGTGGTCTCGGCACCCTCGGCTTCCCCTTCAC-3'